The following is an entry in ClinVar:

NM_000051.4(ATM):c.73-32_73-22del

Gene: ATM (ATM serine/threonine kinase; plus strand). Cytogenetic location: 11q22.3.
Variant type: Deletion.
Coding change: c.73-32_73-22del on transcript NM_000051.4 (MANE Select); 32 bases into the intron before coding-DNA position 73 through 22 bases into the intron before coding-DNA position 73, 11 bases deleted (GTAACCCATTA).
Molecular consequence: intron variant.
Genome position (GRCh38, 1-based): chr11:108,227,744-108,227,754, GTAACCCATTA deleted; deleting any 11 consecutive bases within chr11:108,227,740-108,227,754 gives the same sequence; the c. name uses the placement nearest the transcript's 3' end. VCF-style (leftmost placement, unchanged base first): chr11-108227739-GATTAGTAACCC-G. GRCh37 (hg19) VCF-style: chr11-108098466-GATTAGTAACCC-G.
Other names: c.73-32_73-22del (NM_001351834.2, NM_001351835.2, NM_001351836.2).
Identifiers: ClinVar variation 5031413 (VCV005031413.1).

ClinVar aggregate classification (germline): Likely pathogenic (1 of 4 stars; one submission).

Conditions:
Hereditary cancer-predisposing syndrome. Also called: Neoplastic Syndromes, Hereditary; Tumor predisposition; Hereditary neoplastic syndrome; Hereditary Cancer Syndrome. Identifiers: Orphanet 140162, MedGen C0027672, MeSH D009386, MONDO:0015356.

Submission:

Ambry Genetics
Classification: Likely pathogenic for Hereditary cancer-predisposing syndrome. Last evaluated: 2026-08-25. Review status: criteria provided, single submitter. Criteria: Ambry Variant Classification Scheme 2023. Collection method: clinical testing. Allele origin: germline.
Comment: The c.73-32_73-22del11 intronic variant, located in intron 1 of the ATM gene, results from a deletion of 11 nucleotides within intron 1 of the ATM gene. These nucleotide positions are well conserved in available vertebrate species. In silico splice site analysis predicts that this alteration will not have any significant effect on splicing; however, RNA studies have demonstrated that this variant results in abnormal splicing in the set of samples tested (Ambry internal data). Based on the majority of available evidence to date, this variant is likely to be pathogenic.